The following is an entry in ClinVar:

NM_152703.5(SAMD9L):c.191C>A (p.Pro64Gln)

Gene: SAMD9L (sterile alpha motif domain containing 9 like; minus strand). Cytogenetic location: 7q21.2.
Variant type: single nucleotide variant.
Coding change: c.191C>A on transcript NM_152703.5 (MANE Select); coding-DNA position 191, C replaced by A.
Protein change: p.Pro64Gln; replaces proline 64 with glutamine.
Molecular consequence: missense variant.
Genome position (GRCh38, 1-based): chr7:93,135,781, G>T on the plus strand (C>A on the coding strand, the complement: SAMD9L is on the minus strand). VCF-style: chr7-93135781-G-T. GRCh37 (hg19) VCF-style: chr7-92765094-G-T.
Other names: c.191C>A, p.Pro64Gln (NM_001303496.3, NM_001303497.3, NM_001303498.3 and 5 more transcripts); short protein forms P64Q.
Identifiers: ClinVar variation 3437218 (VCV003437218.1).
Genomic context (GRCh38, chr7:93,135,781, plus strand): 5'-TTGTCACTTTCAGGGGACTTACTATTCAATTTGTTGTATGAACGTTTTATCAAAAGTGCT[G>T]GACCCCATGGTAGCCCCATTTCTACAAGGTCCTTCTCAGTTAATTCCTGCAGGACTAATC-3'
Protein context (NP_689916.2, residues 54-74): DLVEMGLPWG[Pro64Gln]ALLIKRSYNK

ClinVar aggregate classification (germline): Uncertain significance (1 of 4 stars; one submission).

Conditions:
Inborn genetic diseases. Identifiers: MedGen C0950123, MeSH D030342.

Submission:

Ambry Genetics
Classification: Uncertain significance for Inborn genetic diseases. Last evaluated: 2024-12-04. Review status: criteria provided, single submitter. Criteria: Ambry Variant Classification Scheme 2023. Collection method: clinical testing. Allele origin: germline.
Comment: The p.P64Q variant (also known as c.191C>A), located in coding exon 1 of the SAMD9L gene, results from a C to A substitution at nucleotide position 191. The proline at codon 64 is replaced by glutamine, an amino acid with similar properties. This amino acid position is conserved. In addition, this alteration is predicted to be tolerated by in silico analysis. Based on the available evidence, the clinical significance of this variant remains unclear.